The following is an entry in ClinVar:

NM_000540.3(RYR1):c.1577-8C>T

Gene: RYR1 (ryanodine receptor 1; plus strand). Cytogenetic location: 19q13.2.
Variant type: single nucleotide variant.
Coding change: c.1577-8C>T on transcript NM_000540.3 (MANE Select); 8 bases into the intron before coding-DNA position 1577, C replaced by T.
Molecular consequence: intron variant.
Genome position (GRCh38, 1-based): chr19:38,455,443, C>T. VCF-style: chr19-38455443-C-T. GRCh37 (hg19) VCF-style: chr19-38946083-C-T.
Other names: c.1577-8C>T (NM_001042723.2).
Identifiers: ClinVar variation 2893639 (VCV002893639.4), dbSNP rs755673252, ClinGen allele CA062155.

ClinVar aggregate classification (germline): Likely benign. Review status: criteria provided, multiple submitters, no conflicts (2 of 4 stars). 2 submissions from 2 submitters: Likely benign (2). Last evaluated 2024-07-10.

Conditions:
Malignant hyperthermia, susceptibility to, 1 (MHS1). Also called: Anesthesia related hyperthermia; Malignant hyperpyrexia; Fulminating hyperpyrexia; Pharmacogenic myopathy; RYR1-Related Malignant Hyperthermia Susceptibility; Malignant hyperthermia suceptibility 1. Identifiers: Orphanet 423, MedGen C2930980, MONDO:0007783, OMIM 145600.
RYR1-related disorder. Also called: RYR1-related disorders; RYR1-related condition. Identifiers: MedGen CN239331.

Allele frequency attached by ClinVar (database versions not stated): ExAC 0.00001.
gnomAD v4.1: 8 of 1,614,132 alleles (0.0005%); highest among the groups gnomAD compares: South Asian, 0.0011%; no homozygotes.

Submissions (2):

All of Us Research Program, National Institutes of Health
Classification: Likely benign for Malignant hyperthermia, susceptibility to, 1. Last evaluated: 2024-07-10. Review status: criteria provided, single submitter. Criteria: ACMG Guidelines, 2015. Collection method: clinical testing. Allele origin: germline. Inheritance: Autosomal dominant inheritance. Observed: 1 variant allele, 1 heterozygote.
Comment: This study involves interpretation of variants in research participants for the purpose of population health screening. Participant phenotype was not available at the time of variant classification. Additional details can be found in publication PMID: 35346344, PMCID: PMC8962531

Labcorp Genetics (formerly Invitae), Labcorp
Classification: Likely benign for RYR1-related disorder. Last evaluated: 2023-07-06. Review status: criteria provided, single submitter. Criteria: Invitae Variant Classification Sherloc (09022015). Collection method: clinical testing. Allele origin: germline.